The following is an entry in ClinVar:

NM_001999.4(FBN2):c.2773G>A (p.Gly925Arg)

Gene: FBN2 (fibrillin 2; minus strand). Cytogenetic location: 5q23.3.
Variant type: single nucleotide variant.
Coding change: c.2773G>A on transcript NM_001999.4 (MANE Select); coding-DNA position 2773, G replaced by A.
Protein change: p.Gly925Arg; replaces glycine 925 with arginine.
Molecular consequence: missense variant.
Genome position (GRCh38, 1-based): chr5:128,350,907, C>T on the plus strand (G>A on the coding strand, the complement: FBN2 is on the minus strand). VCF-style: chr5-128350907-C-T. GRCh37 (hg19) VCF-style: chr5-127686599-C-T.
Other names: short protein forms G925R.
Identifiers: ClinVar variation 528410 (VCV000528410.12), dbSNP rs111405756, ClinGen allele CA127022744.
Genomic context (GRCh38, chr5:128,350,907, plus strand): 5'-AGCTCCCAATAAGGCTCCTACCTAGTTCACACCGCTCACAGGGGCTCCCCCAGGCGGCTC[C>T]GAGGGTGGCACAGCATTCAGATTTCAGAGTGGCTCCATTAATATTCACCTCACAGCGGCT-3'
Protein context (NP_001990.2, residues 915-935): TLKSECCATL[Gly925Arg]AAWGSPCERC

ClinVar aggregate classification (germline): Uncertain significance. Review status: criteria provided, multiple submitters, no conflicts (2 of 4 stars). 3 submissions from 3 submitters: Uncertain significance (2). 1 of the submissions does not count toward it. Last evaluated 2026-05-26.

Conditions:
Congenital contractural arachnodactyly (CCA). Also called: Arthrogryposis, distal, type 9; BEALS SYNDROME; Beals-Hecht syndrome. Identifiers: Orphanet 115, MedGen C0220668, MONDO:0007363, OMIM 121050.

Submissions (3):

GeneDx
Classification: Uncertain significance. Last evaluated: 2026-05-26. Review status: criteria provided, single submitter. Criteria: GeneDx Variant Classification Process June 2021. Collection method: clinical testing. Allele origin: germline.
Comment: In silico analysis supports that this missense variant has a deleterious effect on protein structure/function; Not observed at significant frequency in large population cohorts (gnomAD); This variant is associated with the following publications: (PMID: 20301560, 31316167, 19006240, 18767143, 34389451)

Labcorp Genetics (formerly Invitae), Labcorp
Classification: Uncertain significance for Congenital contractural arachnodactyly. Last evaluated: 2017-08-17. Review status: criteria provided, single submitter. Criteria: Invitae Variant Classification Sherloc (09022015). Collection method: clinical testing. Allele origin: germline.
Comment: In summary, the available evidence is currently insufficient to determine the role of this variant in disease. Therefore, it has been classified as a Variant of Uncertain Significance. Algorithms developed to predict the effect of sequence changes on RNA splicing suggest that this variant may create or strengthen a splice site, but this prediction has not been confirmed by published transcriptional studies. Algorithms developed to predict the effect of missense changes on protein structure and function do not agree on the potential impact of this missense change (SIFT: "Deleterious"; PolyPhen-2: "Probably Damaging"; Align-GVGD: "Class C15"). This variant has not been reported in the literature in individuals with FBN2-related disease. This variant is not present in population databases (ExAC no frequency). This sequence change replaces glycine with arginine at codon 925 of the FBN2 protein (p.Gly925Arg). The glycine residue is highly conserved and there is a moderate physicochemical difference between glycine and arginine.

GeneReviews
No classification provided. Condition: Congenital contractural arachnodactyly. Review status: no classification provided. Collection method: literature only. Allele origin: germline. Not counted in ClinVar's aggregate classification.

Literature cited by the submitters: PubMed 31316167 (cited by GeneReviews); PubMed 20301560 (cited by GeneReviews).